The following is an entry in ClinVar:

ClinVar aggregate classification (germline): Uncertain significance. Review status: criteria provided, multiple submitters, no conflicts (2 of 4 stars). 2 submissions from 2 submitters: Uncertain significance (2). Last evaluated 2025-08-26.

Conditions:
Inborn genetic diseases. Identifiers: MedGen C0950123, MeSH D030342.

Allele frequency attached by ClinVar (database versions not stated): gnomAD exomes 0.00001; TOPMed 0.00001.
gnomAD v4.1: 16 of 1,551,384 alleles (0.001%); highest among the groups gnomAD compares: Non-Finnish European, 0.0011%; no homozygotes.

Submissions (2):

Ambry Genetics
Classification: Uncertain significance for Inborn genetic diseases. Last evaluated: 2025-08-26. Review status: criteria provided, single submitter. Criteria: Ambry Variant Classification Scheme 2023. Collection method: clinical testing. Allele origin: germline.

Labcorp Genetics (formerly Invitae), Labcorp
Classification: Uncertain significance. Last evaluated: 2022-06-24. Review status: criteria provided, single submitter. Criteria: Invitae Variant Classification Sherloc (09022015). Collection method: clinical testing. Allele origin: germline.
Comment: This sequence change replaces glycine, which is neutral and non-polar, with arginine, which is basic and polar, at codon 1589 of the UNC80 protein (p.Gly1589Arg). This variant is present in population databases (no rsID available, gnomAD 0.002%). This variant has not been reported in the literature in individuals affected with UNC80-related conditions. Algorithms developed to predict the effect of missense changes on protein structure and function are either unavailable or do not agree on the potential impact of this missense change (SIFT: "Not Available"; PolyPhen-2: "Probably Damaging"; Align-GVGD: "Not Available"). In summary, the available evidence is currently insufficient to determine the role of this variant in disease. Therefore, it has been classified as a Variant of Uncertain Significance.

NM_001371986.1(UNC80):c.4963G>A (p.Gly1655Arg)

Gene: UNC80 (unc-80 subunit of NALCN channel complex; plus strand). Cytogenetic location: 2q34.
Variant type: single nucleotide variant.
Coding change: c.4963G>A on transcript NM_001371986.1 (MANE Select); coding-DNA position 4963, G replaced by A.
Protein change: p.Gly1655Arg; replaces glycine 1655 with arginine.
Molecular consequence: missense variant.
Genome position (GRCh38, 1-based): chr2:209,913,874, G>A. VCF-style: chr2-209913874-G-A. GRCh37 (hg19) VCF-style: chr2-210778598-G-A.
Other names: c.4765G>A (NM_032504.1); c.4765G>A, p.Gly1589Arg (NM_032504.2); c.4750G>A, p.Gly1584Arg (NM_182587.4); short protein forms G1589R, G1655R, G1584R.
Identifiers: ClinVar variation 2169899 (VCV002169899.2), dbSNP rs1281067887, ClinGen allele CA350756782.